The following is an entry in ClinVar:

NM_022051.3(EGLN1):c.1018G>A (p.Gly340Arg)

Gene: EGLN1 (egl-9 family hypoxia inducible factor 1; minus strand). Cytogenetic location: 1q42.2.
Variant type: single nucleotide variant.
Coding change: c.1018G>A on transcript NM_022051.3 (MANE Select); coding-DNA position 1018, G replaced by A.
Protein change: p.Gly340Arg; replaces glycine 340 with arginine.
Molecular consequence: missense variant. On other transcripts: intron variant (1).
Genome position (GRCh38, 1-based): chr1:231,370,692, C>T on the plus strand (G>A on the coding strand, the complement: EGLN1 is on the minus strand). VCF-style: chr1-231370692-C-T. GRCh37 (hg19) VCF-style: chr1-231506438-C-T.
Other names: c.1018G>A, p.Gly340Arg (NM_001377260.1); c.1012-3056G>A (NM_001377261.1); short protein forms G340R.
Identifiers: ClinVar variation 1371992 (VCV001371992.8), dbSNP rs2102894569, ClinGen allele CA345240655.

ClinVar aggregate classification (germline): Uncertain significance (1 of 4 stars; one submission).

Conditions:
Erythrocytosis, familial, 3 (ECYT3). Identifiers: Orphanet 247511, MedGen C1853286, MONDO:0012353, OMIM 609820.

Submission:

Labcorp Genetics (formerly Invitae), Labcorp
Classification: Uncertain significance for Erythrocytosis, familial, 3. Last evaluated: 2021-02-13. Review status: criteria provided, single submitter. Criteria: Invitae Variant Classification Sherloc (09022015). Collection method: clinical testing. Allele origin: germline.
Comment: This sequence change replaces glycine with arginine at codon 340 of the EGLN1 protein (p.Gly340Arg). The glycine residue is highly conserved and there is a moderate physicochemical difference between glycine and arginine. This variant is not present in population databases (ExAC no frequency). In summary, the available evidence is currently insufficient to determine the role of this variant in disease. Therefore, it has been classified as a Variant of Uncertain Significance. Algorithms developed to predict the effect of missense changes on protein structure and function (SIFT, PolyPhen-2, Align-GVGD) all suggest that this variant is likely to be disruptive, but these predictions have not been confirmed by published functional studies and their clinical significance is uncertain. This variant has not been reported in the literature in individuals with EGLN1-related conditions.